The following is an entry in ClinVar:

ClinVar aggregate classification (germline): Uncertain significance. Review status: criteria provided, multiple submitters, no conflicts (2 of 4 stars). 2 submissions from 2 submitters: Uncertain significance (2). Last evaluated 2025-02-03.

Conditions:
Fanconi anemia (FA). Also called: Fanconi's anemia. Identifiers: Orphanet 84, MedGen C0015625, MeSH D005199, MONDO:0019391.
Inborn genetic diseases. Identifiers: MedGen C0950123, MeSH D030342.

Submissions (2):

Ambry Genetics
Classification: Uncertain significance for Inborn genetic diseases. Last evaluated: 2025-02-03. Review status: criteria provided, single submitter. Criteria: Ambry Variant Classification Scheme 2023. Collection method: clinical testing. Allele origin: germline.
Comment: The p.E715V variant (also known as c.2144A>T), located in coding exon 23 of the FANCA gene, results from an A to T substitution at nucleotide position 2144. The glutamic acid at codon 715 is replaced by valine, an amino acid with dissimilar properties. This amino acid position is conserved. In addition, the in silico prediction for this alteration is inconclusive. Based on the available evidence, the clinical significance of this variant remains unclear.

Labcorp Genetics (formerly Invitae), Labcorp
Classification: Uncertain significance for Fanconi anemia. Last evaluated: 2023-07-07. Review status: criteria provided, single submitter. Criteria: Invitae Variant Classification Sherloc (09022015). Collection method: clinical testing. Allele origin: germline.
Comment: In summary, the available evidence is currently insufficient to determine the role of this variant in disease. Therefore, it has been classified as a Variant of Uncertain Significance. Advanced modeling of protein sequence and biophysical properties (such as structural, functional, and spatial information, amino acid conservation, physicochemical variation, residue mobility, and thermodynamic stability) performed at Invitae indicates that this missense variant is not expected to disrupt FANCA protein function. ClinVar contains an entry for this variant (Variation ID: 846695). This variant has not been reported in the literature in individuals affected with FANCA-related conditions. This variant is not present in population databases (gnomAD no frequency). This sequence change replaces glutamic acid, which is acidic and polar, with valine, which is neutral and non-polar, at codon 715 of the FANCA protein (p.Glu715Val).

NM_000135.4(FANCA):c.2144A>T (p.Glu715Val)

Gene: FANCA (FA complementation group A; minus strand). Cytogenetic location: 16q24.3.
Variant type: single nucleotide variant.
Coding change: c.2144A>T on transcript NM_000135.4 (MANE Select); coding-DNA position 2144, A replaced by T.
Protein change: p.Glu715Val; replaces glutamic acid 715 with valine.
Molecular consequence: missense variant.
Genome position (GRCh38, 1-based): chr16:89,771,685, T>A on the plus strand (A>T on the coding strand, the complement: FANCA is on the minus strand). VCF-style: chr16-89771685-T-A. GRCh37 (hg19) VCF-style: chr16-89838093-T-A.
Other names: c.2144A>T, p.Glu715Val (NM_001286167.3); short protein forms E715V.
Identifiers: ClinVar variation 846695 (VCV000846695.9), dbSNP rs2039330928, ClinGen allele CA397447908.
Genomic context (GRCh38, chr16:89,771,685, plus strand): 5'-CCTAATGGAAAATGGTGAAGACCCCCTGCTTTGTTCTGAGCCCCTACACCTACCATGTGT[T>A]CCCGTGGCTCCAGTCTCGGCGTGTTGATGCTGAGCTGAATCTTTGATATCTCAACGCTGC-3'
Protein context (NP_000126.2, residues 705-725): SINTPRLEPR[Glu715Val]HMAVDLLLTS